The following is an entry in ClinVar:

ClinVar aggregate classification (germline): Likely pathogenic (3 of 4 stars; one submission).

Conditions:
Autosomal recessive limb-girdle muscular dystrophy. Identifiers: Orphanet 102015, MedGen C2931907, MONDO:0015152.

Submission:

ClinGen Limb Girdle Muscular Dystrophy Variant Curation Expert Panel, ClinGen
Classification: Likely pathogenic for Autosomal recessive limb-girdle muscular dystrophy. Last evaluated: 2025-06-24. Review status: reviewed by expert panel. Criteria: ClinGen LGMD VCEP ACMG Specifications DYSF V1.0.0. Collection method: curation. Allele origin: germline. Inheritance: Autosomal recessive inheritance.
Comment: The NC_000002.12: g.71517404_71602355dup variant (GRCh38) is an intragenic duplication with intronic breakends that encompasses exons 10-35 of the DYSF gene, NM_003494.4: c.907-2774_3873+827dup. This is a presumed in tandem event that is not expected to impact the reading frame but lead to the inframe insertion of 989 amino acids, p.(Met303_Glu1291dup) (PM4). This variant has been reported in unknown phase with a pathogenic variant in an individual with LGMD (NM_003494.4: c.1368C>A p.(Cys456Ter), 0.5 pts, PMID: 36983702) (PM3_Supporting). Similar duplications of these exons are not observed in gnomAD SVs or CNVs v4.1.0 or in the Database of Genomic Variants (PMID: 24174537; PM2_Supporting). In summary, this variant meets the criteria to be classified as Likely Pathogenic for autosomal recessive limb girdle muscular dystrophy based on the ACMG/AMP criteria applied, as specified by the ClinGen LGMD VCEP (LGMD VCEP specifications version 1.0.0; 06/24/2025): PM4, PM3_Supporting, PP4_Strong, PM2_Supporting.

NC_000002.12:g.71517404_71602355dup

Genes: DYSF (dysferlin; plus strand), LOC129934067 (ATAC-STARR-seq lymphoblastoid active region 16019; plus strand). Cytogenetic location: 2p13.2.
Variant type: Duplication.
Identifiers: ClinVar variation 4056142 (VCV004056142.1).